The following is an entry in ClinVar:

NM_020117.11(LARS1):c.1425+312C>G

Genes: LARS1 (leucyl-tRNA synthetase 1; minus strand), LOC132089172 (Neanderthal introgressed variant-containing enhancer experimental_81447; plus strand). Cytogenetic location: 5q32.
Variant type: single nucleotide variant.
Coding change: c.1425+312C>G on transcript NM_020117.11 (MANE Select); 312 bases into the intron after coding-DNA position 1425, C replaced by G.
Molecular consequence: intron variant.
Genome position (GRCh38, 1-based): chr5:146,151,550, G>C on the plus strand (C>G on the coding strand, the complement: LARS1 is on the minus strand). VCF-style: chr5-146151550-G-C. GRCh37 (hg19) VCF-style: chr5-145531113-G-C.
Other names: c.1263+312C>G (NM_001317965.2); c.1344+312C>G (NM_016460.4); c.1287+312C>G (NM_001317964.2).
Identifiers: ClinVar variation 670009 (VCV000670009.1), dbSNP rs17500456, ClinGen allele CA15380595.

ClinVar aggregate classification (germline): Benign (1 of 4 stars; one submission).

Allele frequency attached by ClinVar (database versions not stated): 1000 Genomes Project 30x 0.18067; 1000 Genomes Project 0.18171; TOPMed 0.22135; gnomAD 0.22149 and 0.22244.
gnomAD v4.1: 33,886 of 152,096 alleles (22%); highest among the groups gnomAD compares: Admixed American, 34%; 4,836 homozygotes.

Submission:

GeneDx
Classification: Benign. Last evaluated: 2018-06-14. Review status: criteria provided, single submitter. Criteria: GeneDx Variant Classification (06012015). Collection method: clinical testing. Allele origin: germline. Affected: yes.
Comment: This variant is considered likely benign or benign based on one or more of the following criteria: it is a conservative change, it occurs at a poorly conserved position in the protein, it is predicted to be benign by multiple in silico algorithms, and/or has population frequency not consistent with disease.